The following is an entry in ClinVar:

ClinVar aggregate classification (germline): Pathogenic/Likely pathogenic. Review status: criteria provided, multiple submitters, no conflicts (2 of 4 stars). 2 submissions from 2 submitters: Pathogenic (1); Likely pathogenic (1). Last evaluated 2017-04-08.

Conditions:
Familial cancer of breast. Also called: BREAST CANCER, FAMILIAL; Hereditary breast cancer; hereditary breast carcinoma. Identifiers: Orphanet 227535, MedGen C0346153, MONDO:0016419, OMIM 114480. Disease mechanism: loss of function.

Submissions (2):

Labcorp Genetics (formerly Invitae), Labcorp
Classification: Pathogenic for Familial cancer of breast. Last evaluated: 2017-04-08. Review status: criteria provided, single submitter. Criteria: Invitae Variant Classification Sherloc (09022015). Collection method: clinical testing. Allele origin: germline.
Comment: While this particular variant has not been reported in the literature in an individual affected with a PALB2-related disease, loss-of-function variants in PALB2 are known to be pathogenic (PMID: 25099575, 17200668). This variant is also known as c.2966_2967insCAACAAGT in the literature. For these reasons, this variant has been classified as Pathogenic. This sequence change creates a premature translational stop signal at codon 990 (p.Glu990Asnfs*3) of the PALB2 gene. It is expected to result in an absent or disrupted protein product.

Cancer Genetics Laboratory, Peter MacCallum Cancer Centre
Classification: Likely pathogenic for Familial cancer of breast. Last evaluated: 2015-06-01. Review status: criteria provided, single submitter. Criteria: Thompson et al. (Breast Cancer Res. 2015). Collection method: case-control. Allele origin: germline. Affected: no. Observed: 1 variant allele, 1 heterozygote.

Literature cited by the submitters: PubMed 25099575 (cited by Labcorp Genetics (formerly Invitae), Labcorp); PubMed 17200668 (cited by Labcorp Genetics (formerly Invitae), Labcorp).

NM_024675.4(PALB2):c.2959_2966dup (p.Glu990fs)

Gene: PALB2 (partner and localizer of BRCA2; minus strand). Cytogenetic location: 16p12.2.
Variant type: Duplication.
Coding change: c.2959_2966dup on transcript NM_024675.4 (MANE Select); coding-DNA positions 2959 to 2966, 8 bases duplicated (CAACAAGT; older notation c.2959_2966dupCAACAAGT).
Protein change: p.Glu990fs; shifts the reading frame from glutamic acid 990.
Molecular consequence: frameshift variant.
Genome position (GRCh38, 1-based): chr16:23,622,999-23,623,006, ACTTGTTG duplicated on the plus strand (CAACAAGT on the coding strand, the reverse complement: PALB2 is on the minus strand); duplicating any 8 consecutive bases within chr16:23,622,999-23,623,007 gives the same sequence; the c. name uses the placement nearest the transcript's 3' end. VCF-style (leftmost placement, unchanged base first): chr16-23622998-T-TACTTGTTG. GRCh37 (hg19) VCF-style: chr16-23634319-T-TACTTGTTG.
Other names: c.2959_2966dupCAACAAGT (NM_024675.3); short protein forms E990fs.
Identifiers: ClinVar variation 460972 (VCV000460972.10), dbSNP rs875989792, ClinGen allele CA10576108.